The following is an entry in ClinVar:

NM_201253.3(CRB1):c.3329T>G (p.Phe1110Cys)

Gene: CRB1 (crumbs cell polarity complex component 1; plus strand). Cytogenetic location: 1q31.3.
Variant type: single nucleotide variant.
Coding change: c.3329T>G on transcript NM_201253.3 (MANE Select); coding-DNA position 3329, T replaced by G.
Protein change: p.Phe1110Cys; replaces phenylalanine 1110 with cysteine.
Molecular consequence: missense variant. On other transcripts: non-coding transcript variant (2), intron variant (1).
Genome position (GRCh38, 1-based): chr1:197,435,192, T>G. VCF-style: chr1-197435192-T-G. GRCh37 (hg19) VCF-style: chr1-197404322-T-G.
Other names: c.2993T>G, p.Phe998Cys (NM_001193640.2); c.3257T>G, p.Phe1086Cys (NM_001257965.2); c.2129-408T>G (NM_001257966.2); short protein forms F1086C, F1110C, F998C.
Identifiers: ClinVar variation 853991 (VCV000853991.9), dbSNP rs1665086143, ClinGen allele CA344047105.
Genomic context (GRCh38, chr1:197,435,192, plus strand): 5'-TAAAGGGCCTGCAAGGGTGTCTAAGTACAATAGAAATCGGAGGCATTTATCTCTCTTACT[T>G]TGAAAATGTTCATGGTTTCATTAATAAACCTCAGGAAGAGCAATTTCTCAAAATCTCTAC-3'
Protein context (NP_957705.1, residues 1100-1120): IEIGGIYLSY[Phe1110Cys]ENVHGFINKP

ClinVar aggregate classification (germline): Pathogenic (1 of 4 stars; one submission).

Conditions:
Retinitis pigmentosa 12 (RP12). Also called: RP WITH OR WITHOUT PPRPE; RP WITH OR WITHOUT PRESERVED PARAARTERIOLE RETINAL PIGMENT EPITHELIUM; RETINITIS PIGMENTOSA WITH OR WITHOUT PARAARTERIOLAR PRESERVATION OF RETINAL PIGMENT EPITHELIUM. Identifiers: Orphanet 791, MedGen C1838647, MONDO:0010818, OMIM 600105.
Leber congenital amaurosis 8 (LCA8). Identifiers: Orphanet 65, MedGen C3151202, MONDO:0013453, OMIM 613835.

Allele frequency attached by ClinVar (database versions not stated): gnomAD exomes below 0.00001.
gnomAD v4.1: 2 of 1,613,936 alleles (0.00012%); highest among the groups gnomAD compares: Non-Finnish European, 0.00017%; no homozygotes.

Submission:

Labcorp Genetics (formerly Invitae), Labcorp
Classification: Pathogenic for Leber congenital amaurosis 8; Retinitis pigmentosa 12. Last evaluated: 2023-08-10. Review status: criteria provided, single submitter. Criteria: Invitae Variant Classification Sherloc (09022015). Collection method: clinical testing. Allele origin: germline.
Comment: For these reasons, this variant has been classified as Pathogenic. Advanced modeling of protein sequence and biophysical properties (such as structural, functional, and spatial information, amino acid conservation, physicochemical variation, residue mobility, and thermodynamic stability) performed at Invitae indicates that this missense variant is expected to disrupt CRB1 protein function. ClinVar contains an entry for this variant (Variation ID: 853991). This missense change has been observed in individual(s) with CRB1-related conditions (Invitae). In at least one individual the data is consistent with being in trans (on the opposite chromosome) from a pathogenic variant. This variant is not present in population databases (gnomAD no frequency). This sequence change replaces phenylalanine, which is neutral and non-polar, with cysteine, which is neutral and slightly polar, at codon 1110 of the CRB1 protein (p.Phe1110Cys).